The following is an entry in ClinVar:

ClinVar aggregate classification (germline): Benign (1 of 4 stars; one submission).

gnomAD v4.1: 1,415 of 1,612,100 alleles (0.088%); highest among the groups gnomAD compares: South Asian, 1.4%; 22 homozygotes.

Submission:

CeGaT Center for Human Genetics Tuebingen
Classification: Benign. Last evaluated: 2026-07-01. Review status: criteria provided, single submitter. Criteria: CeGaT Center For Human Genetics Tuebingen Variant Classification Criteria Version 2. Collection method: clinical testing. Allele origin: germline. Affected: yes. Observed: 2 variant alleles.
Comment: SNAPC4: BP4, BS1, BS2

NM_003086.4(SNAPC4):c.1874C>T (p.Thr625Met)

Gene: SNAPC4 (small nuclear RNA activating complex polypeptide 4; minus strand). Cytogenetic location: 9q34.3.
Variant type: single nucleotide variant.
Coding change: c.1874C>T on transcript NM_003086.4 (MANE Select); coding-DNA position 1874, C replaced by T.
Protein change: p.Thr625Met; replaces threonine 625 with methionine.
Molecular consequence: missense variant.
Genome position (GRCh38, 1-based): chr9:136,383,295, G>A on the plus strand (C>T on the coding strand, the complement: SNAPC4 is on the minus strand). VCF-style: chr9-136383295-G-A. GRCh37 (hg19) VCF-style: chr9-139277747-G-A.
Other names: c.1874C>T, p.Thr625Met (NM_001394201.1, NM_001394202.1, NM_001394203.1); short protein forms T625M.
Identifiers: ClinVar variation 4872426 (VCV004872426.2).